The following is an entry in ClinVar:

ClinVar aggregate classification (germline): Uncertain significance (1 of 4 stars; one submission).

Allele frequency attached by ClinVar (database versions not stated): gnomAD exomes below 0.00001.

Submission:

Labcorp Genetics (formerly Invitae), Labcorp
Classification: Uncertain significance. Last evaluated: 2022-05-29. Review status: criteria provided, single submitter. Criteria: Invitae Variant Classification Sherloc (09022015). Collection method: clinical testing. Allele origin: germline.
Comment: This variant has not been reported in the literature in individuals affected with GFM1-related conditions. This sequence change replaces leucine, which is neutral and non-polar, with phenylalanine, which is neutral and non-polar, at codon 638 of the GFM1 protein (p.Leu638Phe). This variant is present in population databases (no rsID available, gnomAD 0.003%). Advanced modeling of protein sequence and biophysical properties (such as structural, functional, and spatial information, amino acid conservation, physicochemical variation, residue mobility, and thermodynamic stability) performed at Invitae indicates that this missense variant is not expected to disrupt GFM1 protein function. In summary, the available evidence is currently insufficient to determine the role of this variant in disease. Therefore, it has been classified as a Variant of Uncertain Significance.

NM_024996.7(GFM1):c.1914G>T (p.Leu638Phe)

Gene: GFM1 (G elongation factor mitochondrial 1; plus strand). Cytogenetic location: 3q25.32.
Variant type: single nucleotide variant.
Coding change: c.1914G>T on transcript NM_024996.7 (MANE Select); coding-DNA position 1914, G replaced by T.
Protein change: p.Leu638Phe; replaces leucine 638 with phenylalanine.
Molecular consequence: missense variant. On other transcripts: non-coding transcript variant (4).
Genome position (GRCh38, 1-based): chr3:158,690,167, G>T. VCF-style: chr3-158690167-G-T. GRCh37 (hg19) VCF-style: chr3-158407956-G-T.
Other names: c.1971G>T, p.Leu657Phe (NM_001308164.2); c.1833G>T, p.Leu611Phe (NM_001374355.1); c.1797G>T, p.Leu599Phe (NM_001374356.1); c.1689G>T, p.Leu563Phe (NM_001374357.1); c.1455G>T, p.Leu485Phe (NM_001374358.1); c.1347G>T, p.Leu449Phe (NM_001374359.1, NM_001374360.1); c.1230G>T, p.Leu410Phe (NM_001374361.1); short protein forms L410F, L449F, L563F, L657F, L485F, L599F, L611F, L638F.
Identifiers: ClinVar variation 1995771 (VCV001995771.4), dbSNP rs1295348437, ClinGen allele CA355182244.
Genomic context (GRCh38, chr3:158,690,167, plus strand): 5'-CAGAAGAGTTGTAGTTTGTATGAAGACTAATGAACTTTTTTTTTTTTTTAACCCAGCCTT[G>T]GCAAATGCAACATTATGTATTCTTGAACCTATTATGGCTGTGGAAGTTGTAGCTCCAAAT-3'
Protein context (NP_079272.4, residues 628-648): RAGEGALKQA[Leu638Phe]ANATLCILEP